The following is an entry in ClinVar:

ClinVar aggregate classification (germline): Uncertain significance (1 of 4 stars; one submission).

Conditions:
Atrial fibrillation, familial, 7 (ATFB7). Identifiers: MedGen C2677106, MONDO:0012828, OMIM 612240.

Submission:

Labcorp Genetics (formerly Invitae), Labcorp
Classification: Uncertain significance for Atrial fibrillation, familial, 7. Last evaluated: 2024-07-03. Review status: criteria provided, single submitter. Criteria: Invitae Variant Classification Sherloc (09022015). Collection method: clinical testing. Allele origin: germline.
Comment: This sequence change replaces serine, which is neutral and polar, with arginine, which is basic and polar, at codon 557 of the KCNA5 protein (p.Ser557Arg). The frequency data for this variant in the population databases is considered unreliable, as metrics indicate poor data quality at this position in the gnomAD database. This variant has not been reported in the literature in individuals affected with KCNA5-related conditions. An algorithm developed to predict the effect of missense changes on protein structure and function (PolyPhen-2) suggests that this variant is likely to be disruptive. In summary, the available evidence is currently insufficient to determine the role of this variant in disease. Therefore, it has been classified as a Variant of Uncertain Significance.

NM_002234.4(KCNA5):c.1671C>A (p.Ser557Arg)

Gene: KCNA5 (potassium voltage-gated channel subfamily A member 5; plus strand). Cytogenetic location: 12p13.32.
Variant type: single nucleotide variant.
Coding change: c.1671C>A on transcript NM_002234.4 (MANE Select); coding-DNA position 1671, C replaced by A.
Protein change: p.Ser557Arg; replaces serine 557 with arginine.
Molecular consequence: missense variant.
Genome position (GRCh38, 1-based): chr12:5,045,818, C>A. VCF-style: chr12-5045818-C-A. GRCh37 (hg19) VCF-style: chr12-5154984-C-A.
Other names: short protein forms S557R.
Identifiers: ClinVar variation 3672437 (VCV003672437.2).